The following is an entry in ClinVar:

ClinVar aggregate classification (germline): Uncertain significance (1 of 4 stars; one submission).

Conditions:
Type 2 diabetes mellitus. Also called: Type II diabetes mellitus. Identifiers: MedGen C0011860, MeSH D003924, MONDO:0005148, OMIM 125853, HP:0005978.

Submission:

Clinical Genomics, Uppaluri K&H Personalized Medicine Clinic
Classification: Uncertain significance for Type 2 diabetes mellitus. Review status: criteria provided, single submitter. Criteria: K And H Uppaluri Personalized Medicine Clinic Variant Classification And Assertion Criteria Updated V 2. Collection method: research. Allele origin: unknown. Inheritance: Autosomal dominant inheritance.
Comment: Potent mutations in HNF1B gene are associated with early onset diabetes and pancreatic atrophy. It is also associated with multiple renal manifestations including renal cysts, Tubulointerstitial disease, glomerulocystic disease, renal hypoplasia, hypomagnesemia.However no sufficient evidence is found to ascertain the role of this particular variant rs1555818000, yet.

Literature cited by the submitters: PubMed 24897035; PubMed 27615128; PubMed 25536396; PubMed 28215227; PubMed 33434175; PubMed 25741167; PubMed 26340261; PubMed 19639018.

NM_000458.4(HNF1B):c.*100del

Gene: HNF1B (HNF1 homeobox B; minus strand). Cytogenetic location: 17q12.
Variant type: Deletion.
Coding change: c.*100del on transcript NM_000458.4 (MANE Select); 100 bases downstream of the stop codon, one base deleted (A; older notation c.*100delA).
Molecular consequence: 3 prime UTR variant.
Genome position (GRCh38, 1-based): chr17:37,687,272, T deleted on the plus strand (A on the coding strand, the reverse complement: HNF1B is on the minus strand). VCF-style (leftmost placement, unchanged base first): chr17-37687271-CT-C. GRCh37 (hg19) VCF-style: chr17-36047273-GC-G.
Other names: c.*100del (NM_001165923.4); c.*8del (NM_001304286.2, NM_001411100.1).
Identifiers: ClinVar variation 3024553 (VCV003024553.1), dbSNP rs1555818000, ClinGen allele CA919835143.